The following is an entry in ClinVar:

ClinVar aggregate classification (germline): Pathogenic. Review status: criteria provided, multiple submitters, no conflicts (2 of 4 stars). 3 submissions from 3 submitters: Pathogenic (2). 1 of the submissions does not count toward it. Last evaluated 2023-09-28.

Conditions:
LAMA2-related muscular dystrophy (LAMA2-RD). Also called: Laminin alpha 2-related dystrophy. Identifiers: MedGen C5679788, MONDO:0100228.
Merosin deficient congenital muscular dystrophy (MDC1A). Also called: Congenital merosin-deficient muscular dystrophy 1A; Congenital Muscular Dystrophy Type 1A (MDC1A). Identifiers: Orphanet 258, MedGen C1263858, MONDO:0011925, OMIM 607855.

Submissions (3):

Labcorp Genetics (formerly Invitae), Labcorp
Classification: Pathogenic for LAMA2-related muscular dystrophy. Last evaluated: 2023-09-28. Review status: criteria provided, single submitter. Criteria: Invitae Variant Classification Sherloc (09022015). Collection method: clinical testing. Allele origin: germline.
Comment: This sequence change creates a premature translational stop signal (p.Glu1684*) in the LAMA2 gene. It is expected to result in an absent or disrupted protein product. Loss-of-function variants in LAMA2 are known to be pathogenic (PMID: 18700894, 32904964). This variant is not present in population databases (gnomAD no frequency). This premature translational stop signal has been observed in individual(s) with congenital muscular dystrophy (PMID: 30055037). In at least one individual the data is consistent with being in trans (on the opposite chromosome) from a pathogenic variant. ClinVar contains an entry for this variant (Variation ID: 92964). Algorithms developed to predict the effect of sequence changes on RNA splicing suggest that this variant may disrupt the consensus splice site. For these reasons, this variant has been classified as Pathogenic.

Eurofins Ntd Llc (ga)
Classification: Pathogenic. Last evaluated: 2015-10-02. Review status: criteria provided, single submitter. Criteria: EGL Classification Definitions. Collection method: clinical testing. Allele origin: germline. Observed: 3 variant alleles, 3 heterozygotes.

Counsyl
Classification: Likely pathogenic for Merosin deficient congenital muscular dystrophy. Last evaluated: 2018-04-11. Review status: no assertion criteria provided. Collection method: clinical testing. Allele origin: unknown. Not counted in ClinVar's aggregate classification.

Literature cited by the submitters: PubMed 18700894 (cited by Labcorp Genetics (formerly Invitae), Labcorp); PubMed 32904964 (cited by Labcorp Genetics (formerly Invitae), Labcorp); PubMed 30055037 (cited by Labcorp Genetics (formerly Invitae), Labcorp).

NM_000426.4(LAMA2):c.5050G>T (p.Glu1684Ter)

Gene: LAMA2 (laminin subunit alpha 2; plus strand). Cytogenetic location: 6q22.33.
Variant type: single nucleotide variant.
Coding change: c.5050G>T on transcript NM_000426.4 (MANE Select); coding-DNA position 5050, G replaced by T.
Protein change: p.Glu1684Ter; replaces glutamic acid 1684 with a stop codon.
Molecular consequence: nonsense.
Genome position (GRCh38, 1-based): chr6:129,383,212, G>T. VCF-style: chr6-129383212-G-T. GRCh37 (hg19) VCF-style: chr6-129704357-G-T.
Other names: c.5050G>T, p.Glu1684Ter (NM_001079823.2); short protein forms E1684*.
Identifiers: ClinVar variation 92964 (VCV000092964.10), dbSNP rs201632009, ClinGen allele CA220771.